The following is an entry in ClinVar:

NM_001130004.2(ACTN1):c.428-4A>T

Gene: ACTN1 (actinin alpha 1; minus strand). Cytogenetic location: 14q24.1.
Variant type: single nucleotide variant.
Coding change: c.428-4A>T on transcript NM_001130004.2 (MANE Select); 4 bases into the intron before coding-DNA position 428, A replaced by T.
Molecular consequence: intron variant.
Genome position (GRCh38, 1-based): chr14:68,910,046, T>A on the plus strand (A>T on the coding strand, the complement: ACTN1 is on the minus strand). VCF-style: chr14-68910046-T-A. GRCh37 (hg19) VCF-style: chr14-69376763-T-A.
Other names: c.428-4A>T (NM_001130005.2, NM_001102.4, NM_001411035.1); c.233-4A>T (NM_001411036.1).
Identifiers: ClinVar variation 2581466 (VCV002581466.2), dbSNP rs760980196, ClinGen allele CA7242699.

ClinVar aggregate classification (germline): Conflicting classifications of pathogenicity. Review status: criteria provided, conflicting classifications (1 of 4 stars). 2 submissions from 2 submitters: Uncertain significance (1); Likely benign (1). Last evaluated 2025-10-09.

Allele frequency attached by ClinVar (database versions not stated): ExAC 0.00001.
gnomAD v4.1: 56 of 1,612,908 alleles (0.0035%); highest among the groups gnomAD compares: Non-Finnish European, 0.0042%; no homozygotes.

Submissions (2):

Labcorp Genetics (formerly Invitae), Labcorp
Classification: Likely benign. Last evaluated: 2025-10-09. Review status: criteria provided, single submitter. Criteria: Invitae Variant Classification Sherloc (09022015). Collection method: clinical testing. Allele origin: germline.

Women's Health and Genetics/Laboratory Corporation of America, LabCorp
Classification: Uncertain significance. Last evaluated: 2023-08-31. Review status: criteria provided, single submitter. Criteria: LabCorp Variant Classification Summary - May 2015. Collection method: clinical testing. Allele origin: germline.
Comment: Variant summary: ACTN1 c.428-4A>T alters a non-conserved nucleotide located close to a canonical splice site and therefore could affect mRNA splicing, leading to a significantly altered protein sequence. Several computational tools predict a significant impact on normal splicing: three predict the variant creates a 3' acceptor site, and one predicts the variant strengthens a cryptic 3' acceptor site. However, these predictions have yet to be confirmed by functional studies. The variant allele was found at a frequency of 2e-05 in 250766 control chromosomes (gnomAD). The available data on variant occurrences in the general population are insufficient to allow any conclusion about variant significance. To our knowledge, no occurrence of c.428-4A>T in individuals affected with Platelet-Type Bleeding Disorder 15 and no experimental evidence demonstrating its impact on protein function have been reported. No submitters have reported clinical-significance assessments for this variant to ClinVar after 2014. Based on the evidence outlined above, the variant was classified as uncertain significance.